The following is an entry in ClinVar:

NM_000238.4(KCNH2):c.1736T>G (p.Met579Arg)

Gene: KCNH2 (potassium voltage-gated channel subfamily H member 2; minus strand). Cytogenetic location: 7q36.1.
Variant type: single nucleotide variant.
Coding change: c.1736T>G on transcript NM_000238.4 (MANE Select); coding-DNA position 1736, T replaced by G.
Protein change: p.Met579Arg; replaces methionine 579 with arginine.
Molecular consequence: missense variant. On other transcripts: non-coding transcript variant (2).
Genome position (GRCh38, 1-based): chr7:150,951,657, A>C on the plus strand (T>G on the coding strand, the complement: KCNH2 is on the minus strand). VCF-style: chr7-150951657-A-C. GRCh37 (hg19) VCF-style: chr7-150648745-A-C.
Other names: c.716T>G, p.Met239Arg (NM_001204798.2, NM_172057.3); c.1448T>G, p.Met483Arg (NM_001406753.1, NM_001406756.1); c.1559T>G, p.Met520Arg (NM_001406755.1); c.1436T>G, p.Met479Arg (NM_001406757.1); c.1736T>G, p.Met579Arg (NM_172056.3); short protein forms M239R, M479R, M483R, M520R, M579R.
Identifiers: ClinVar variation 2572706 (VCV002572706.1), dbSNP rs199473425, ClinGen allele CA369858161.

ClinVar aggregate classification (germline): Uncertain significance (1 of 4 stars; one submission).

gnomAD v4.1: 1 of 1,614,210 alleles (0.000062%); highest among the groups gnomAD compares: Non-Finnish European, 0.000085%; no homozygotes.

Submission:

GeneDx
Classification: Uncertain significance. Last evaluated: 2023-01-13. Review status: criteria provided, single submitter. Criteria: GeneDx Variant Classification Process June 2021. Collection method: clinical testing. Allele origin: germline. Affected: yes.
Comment: Not observed at significant frequency in large population cohorts (gnomAD); In silico analysis supports that this missense variant has a deleterious effect on protein structure/function; Has not been previously published as pathogenic or benign to our knowledge